The following is an entry in ClinVar:

ClinVar aggregate classification (germline): Benign/Likely benign. Review status: criteria provided, multiple submitters, no conflicts (2 of 4 stars). 12 submissions from 12 submitters: Benign (7); Likely benign (3). 2 of the submissions do not count toward it. Last evaluated 2026-09-01.

Conditions:
Multiple epiphyseal dysplasia, Al-Gazali type. Also called: Macrocephaly with multiple epiphyseal dysplasia and distinctive facies. Identifiers: Orphanet 166024, MedGen C1846722, MONDO:0011778, OMIM 607131.
Acrocallosal syndrome (ACLS). Also called: HALLUX DUPLICATION, POSTAXIAL POLYDACTYLY, AND ABSENCE OF CORPUS CALLOSUM; Schinzel syndrome 1; Absence of corpus callosum with unusual facial appearance, mental deficiency, duplication of the halluces and polydactyly. Identifiers: Orphanet 36, MedGen C0796147, MONDO:0008708, OMIM 200990.
Hydrolethalus syndrome 2 (HLS2). Identifiers: Orphanet 2189, MedGen C3279899, MONDO:0013585, OMIM 614120.
Scoliosis, isolated, susceptibility to, 1 (IS1). Also called: ADOLESCENT ISOLATED SCOLIOSIS. Identifiers: MedGen C2700406, MONDO:0008419, OMIM 181800.

Allele frequency attached by ClinVar (database versions not stated): 1000 Genomes Project 30x 0.00547; 1000 Genomes Project 0.00579; TOPMed 0.01286; ESP Exome Variant Server 0.01746.
gnomAD v4.1: 30,701 of 1,608,834 alleles (1.9%); highest among the groups gnomAD compares: Non-Finnish European, 2.2%; 365 homozygotes.

Submissions (12):

CeGaT Center for Human Genetics Tuebingen
Classification: Benign. Last evaluated: 2026-09-01. Review status: criteria provided, single submitter. Criteria: CeGaT Center For Human Genetics Tuebingen Variant Classification Criteria Version 2. Collection method: clinical testing. Allele origin: germline. Affected: yes. Observed: 88 variant alleles.
Comment: KIF7: BS1, BS2

Labcorp Genetics (formerly Invitae), Labcorp
Classification: Benign for Acrocallosal syndrome. Last evaluated: 2026-02-03. Review status: criteria provided, single submitter. Criteria: Invitae Variant Classification Sherloc (09022015). Collection method: clinical testing. Allele origin: germline.

Mayo Clinic Laboratories, Mayo Clinic
Classification: Benign. Last evaluated: 2024-12-06. Review status: criteria provided, single submitter. Criteria: ACMG Guidelines, 2015. Collection method: clinical testing. Allele origin: germline. Observed: 1 variant allele.
Comment: BS1, BS2, BP4

Fulgent Genetics
Classification: Likely benign for Acrocallosal syndrome; Multiple epiphyseal dysplasia, Al-Gazali type; Hydrolethalus syndrome 2. Last evaluated: 2021-10-05. Review status: criteria provided, single submitter. Criteria: ACMG Guidelines, 2015. Collection method: clinical testing. Allele origin: unknown.

SIB Swiss Institute of Bioinformatics
Classification: Benign for Hydrolethalus syndrome 2. Last evaluated: 2018-05-31. Review status: criteria provided, single submitter. Criteria: ACMG Guidelines, 2015. Collection method: curation. Allele origin: unknown.
Comment: This variant is interpreted as a Benign, for Hydrolethalus syndrome 2, in Autosomal Recessive manner. The following ACMG Tag(s) were applied: PS3-Moderate => PS3 downgraded in strength to Moderate. BS1 => Allele frequency is greater than expected for disorder. BS2 => Observed in a healthy adult individual for a recessive (homozygous), dominant (heterozygous), or X-linked (hemizygous) disorder, with full penetrance expected at an early age.

Illumina Laboratory Services, Illumina
Classification: Likely benign for Acrocallosal syndrome. Last evaluated: 2017-04-27. Review status: criteria provided, single submitter. Criteria: ICSL Variant Classification Criteria 13 December 2019. Collection method: clinical testing. Allele origin: germline.
Comment: This variant was observed as part of a predisposition screen in an ostensibly healthy population. A literature search was performed for the gene, cDNA change, and amino acid change (where applicable). Publications were found based on this search. The evidence from the literature, in combination with allele frequency data from public databases where available, was sufficient to determine this variant is unlikely to cause disease. Therefore, this variant is classified as likely benign.

Eurofins Ntd Llc (ga)
Classification: Benign. Last evaluated: 2015-01-06. Review status: criteria provided, single submitter. Criteria: EGL Classification Definitions 2015. Collection method: clinical testing. Allele origin: germline. Observed: 2 variant alleles, 2 heterozygotes.

GeneDx
Classification: Benign. Last evaluated: 2014-04-15. Review status: criteria provided, single submitter. Criteria: GeneDx Variant Classification (06012015). Collection method: clinical testing. Allele origin: germline. Affected: yes.
Comment: This variant is considered likely benign or benign based on one or more of the following criteria: it is a conservative change, it occurs at a poorly conserved position in the protein, it is predicted to be benign by multiple in silico algorithms, and/or has population frequency not consistent with disease.

Breakthrough Genomics
Classification: Likely benign. Review status: criteria provided, single submitter. Criteria: ACMG Guidelines, 2015. Collection method: not provided. Allele origin: germline. Inheritance: Autosomal recessive inheritance. Affected: yes.

PreventionGenetics, part of Exact Sciences
Classification: Benign. Review status: criteria provided, single submitter. Criteria: ACMG Guidelines, 2015. Collection method: clinical testing. Allele origin: germline.

Miller Scoliosis Laboratory, University of Colorado Anschutz Medical Campus
Classification: Uncertain significance for Scoliosis, isolated, susceptibility to, 1. Last evaluated: 2020-02-01. Review status: no assertion criteria provided. Collection method: case-control. Allele origin: germline. Affected: yes and no. Observed: 7 variant alleles. Not counted in ClinVar's aggregate classification.
Comment: Several affected individuals within a multigenerational family possess the variant in question. Mutations in this gene were also found to cause scoliosis in a zebrafish model.

All individuals within a single family. All individuals possessing variant were affected, except for one unaffected obligate carrier.

Genetic Services Laboratory, University of Chicago
Classification: Likely benign for AllHighlyPenetrant. Review status: no assertion criteria provided. Collection method: clinical testing. Allele origin: germline. Inheritance: Autosomal recessive inheritance. Not counted in ClinVar's aggregate classification.
Comment: Likely benign based on allele frequency in 1000 Genomes Project or ESP global frequency and its presence in a patient with a rare or unrelated disease phenotype. NOT Sanger confirmed.

Literature cited by the submitters: PubMed 21552264 (cited by Illumina Laboratory Services, Illumina).

NM_198525.3(KIF7):c.3345C>G (p.His1115Gln)

Genes: KIF7 (kinesin family member 7; minus strand), LOC126862216 (BRD4-independent group 4 enhancer GRCh37_chr15:90171995-90173194; plus strand). Cytogenetic location: 15q26.1.
Variant type: single nucleotide variant.
Coding change: c.3345C>G on transcript NM_198525.3 (MANE Select); coding-DNA position 3345, C replaced by G.
Protein change: p.His1115Gln; replaces histidine 1115 with glutamine.
Molecular consequence: missense variant.
Genome position (GRCh38, 1-based): chr15:89,629,547, G>C on the plus strand (C>G on the coding strand, the complement: KIF7 is on the minus strand). VCF-style: chr15-89629547-G-C. GRCh37 (hg19) VCF-style: chr15-90172778-G-C.
Other names: p.H1115Q:CAC>CAG; NM_198525.2(KIF7):c.3345C>G(p.His1115Gln); short protein forms H1115Q.
Identifiers: ClinVar variation 129415 (VCV000129415.58), dbSNP rs142032413, ClinGen allele CA020358.